The following is an entry in ClinVar:

ClinVar aggregate classification (germline): Uncertain significance (1 of 4 stars; one submission).

Submission:

Ambry Genetics
Classification: Uncertain significance. Last evaluated: 2025-02-12. Review status: criteria provided, single submitter. Criteria: Ambry Variant Classification Scheme 2023. Collection method: clinical testing. Allele origin: germline.
Comment: The p.P688T variant (also known as c.2062C>A), located in coding exon 3 of the CDK12 gene, results from a C to A substitution at nucleotide position 2062. The proline at codon 688 is replaced by threonine, an amino acid with highly similar properties. This amino acid position is conserved. In addition, this alteration is predicted to be tolerated by in silico analysis. Based on the available evidence, the clinical significance of this variant remains unclear.

NM_016507.4(CDK12):c.2062C>A (p.Pro688Thr)

Gene: CDK12 (cyclin dependent kinase 12; plus strand). Cytogenetic location: 17q12.
Variant type: single nucleotide variant.
Coding change: c.2062C>A on transcript NM_016507.4 (MANE Select); coding-DNA position 2062, C replaced by A.
Protein change: p.Pro688Thr; replaces proline 688 with threonine.
Molecular consequence: missense variant.
Genome position (GRCh38, 1-based): chr17:39,490,687, C>A. VCF-style: chr17-39490687-C-A. GRCh37 (hg19) VCF-style: chr17-37646940-C-A.
Other names: c.2062C>A, p.Pro688Thr (NM_015083.4); short protein forms P688T.
Identifiers: ClinVar variation 3830655 (VCV003830655.1).